The following is an entry in ClinVar:

ClinVar aggregate classification (germline): Conflicting classifications of pathogenicity. Review status: criteria provided, conflicting classifications (1 of 4 stars). 4 submissions from 3 submitters: Pathogenic (2); Likely pathogenic (1); Uncertain significance (1). Last evaluated 2026-06-05.

Conditions:
Primary ciliary dyskinesia 15. Also called: CILIARY DYSKINESIA, PRIMARY, 15, WITH OR WITHOUT SITUS INVERSUS. Identifiers: Orphanet 244, MedGen C3151137, MONDO:0013435, OMIM 613808.
Kartagener syndrome (CILD1). Also called: CILIARY DYSKINESIA, PRIMARY, 1; CILIARY DYSKINESIA, PRIMARY, 1, WITH OR WITHOUT SITUS INVERSUS; IMMOTILE CILIA SYNDROME; POLYNESIAN BRONCHIECTASIS; Dextrocardia bronchiectasis and sinusitis; SIEWERT SYNDROME. Identifiers: Orphanet 244, MedGen C4551906, MONDO:0009484, OMIM 244400.
Primary ciliary dyskinesia. Also called: Ciliary dyskinesia. Identifiers: Orphanet 244, MedGen C0008780, MONDO:0016575, HP:0012265.

Allele frequency attached by ClinVar (database versions not stated): gnomAD exomes below 0.00001; TOPMed below 0.00001; gnomAD 0.00001.

Submissions (4):

Department of Human Genetics, Hannover Medical School
Classification: Likely pathogenic for Kartagener syndrome. Last evaluated: 2026-06-05. Review status: criteria provided, single submitter. Criteria: ACMG Guidelines, 2015. Collection method: clinical testing. Allele origin: germline. Affected: yes.

Department of Human Genetics, Hannover Medical School
Classification: Uncertain significance for Primary Ciliary Dyskinesia. Last evaluated: 2026-04-01. Review status: criteria provided, single submitter. Criteria: ACMG Guidelines, 2015. Collection method: research. Allele origin: germline. Affected: yes.
Comment: Classification performed by HerediClassify using the following criteria:['PM2_supporting: Variant occures does not occur as homozygous in gnomAD.', 'PVS1_protein_moderate: Transcript ENST00000397545 is not predicted to undergo NMD. Protein length change of 0.056917688266199695 observed.', "PP4_moderate: The modified PICADAR socre of 4.0 exceeds threshold of 3 achieving 'moderate' evidence strength."]

Revvity Omics, Revvity
Classification: Pathogenic for Primary ciliary dyskinesia 15. Last evaluated: 2020-09-30. Review status: criteria provided, single submitter. Criteria: ACMG Guidelines, 2015. Collection method: clinical testing. Allele origin: germline.

Labcorp Genetics (formerly Invitae), Labcorp
Classification: Pathogenic for Primary ciliary dyskinesia. Last evaluated: 2018-08-13. Review status: criteria provided, single submitter. Criteria: Invitae Variant Classification Sherloc (09022015). Collection method: clinical testing. Allele origin: germline.
Comment: For these reasons, this variant has been classified as Pathogenic. A different truncation (p.Tyr1118* ) that lies downstream of this variant has been determined to be pathogenic (Invitae). This suggests that deletion of this region of the CCDC40 protein is causative of disease. This variant has been observed to be homozygous in an individual affected with primary ciliary dyskinesia (PMID: 21131974). This variant is not present in population databases (ExAC no frequency). This sequence change results in a premature translational stop signal in the CCDC40 gene (p.Phe1044Serfs*35). While this is not anticipated to result in nonsense mediated decay, it is expected to disrupt the last 98 amino acids of the CCDC40 protein.

Literature cited by the submitters: PubMed 21131974 (cited by Labcorp Genetics (formerly Invitae), Labcorp).

NM_017950.4(CCDC40):c.3129del (p.Phe1044fs)

Genes: CCDC40 (coiled-coil domain 40 molecular ruler complex subunit; plus strand), GAA (alpha glucosidase; plus strand), MIR1268B (microRNA 1268b; plus strand). Cytogenetic location: 17q25.3.
Variant type: Deletion.
Coding change: c.3129del on transcript NM_017950.4 (MANE Select); coding-DNA position 3129, one base deleted (C; older notation c.3129delC).
Protein change: p.Phe1044fs; shifts the reading frame from phenylalanine 1044.
Molecular consequence: frameshift variant.
Genome position (GRCh38, 1-based): chr17:80,097,352, C deleted. VCF-style (leftmost placement, unchanged base first): chr17-80097351-AC-A. GRCh37 (hg19) VCF-style: chr17-78071150-AC-A.
Other names: c.3129delC (NM_017950.3); short protein forms F1044fs.
Identifiers: ClinVar variation 573257 (VCV000573257.16), dbSNP rs1418585908, ClinGen allele CA775522080.